The following is an entry in ClinVar:

NM_004371.4(COPA):c.3654_3655del (p.Ile1218fs)

Gene: COPA (coat protein complex I subunit alpha; minus strand). Cytogenetic location: 1q23.2.
Variant type: Deletion.
Coding change: c.3654_3655del on transcript NM_004371.4 (MANE Select); coding-DNA positions 3654 to 3655, 2 bases deleted (CA; older notation c.3654_3655delCA).
Protein change: p.Ile1218fs; shifts the reading frame from isoleucine 1218.
Molecular consequence: frameshift variant.
Genome position (GRCh38, 1-based): chr1:160,290,177-160,290,178, TG deleted on the plus strand (CA on the coding strand, the reverse complement: COPA is on the minus strand). VCF-style (leftmost placement, unchanged base first): chr1-160290176-CTG-C. GRCh37 (hg19) VCF-style: chr1-160259966-CTG-C.
Other names: c.3681_3682del, p.Ile1227fs (NM_001098398.2); short protein forms I1227fs, I1218fs.
Identifiers: ClinVar variation 2717946 (VCV002717946.3), dbSNP rs2525341626, ClinGen allele CA2697554626.
Genomic context (GRCh38, chr1:160,290,176, plus strand): 5'-GGGGAACATATGGTGACTGACCCATGCACACAAAGGGGGCCTTAGCGAAACTGCAGAGGA[CTG>C]ATCCTTAAACCAATCACATCTTTGCCAATCTCTGTCACCTGTGGAAAAACAAACAAAGGA-3'

ClinVar aggregate classification (germline): Uncertain significance (1 of 4 stars; one submission).

Conditions:
Autoimmune interstitial lung disease-arthritis syndrome. Also called: Autoinflammation and autoimmunity, systemic, with immune dysregulation. Identifiers: Orphanet 444092, MedGen C5975714, MONDO:0014629.

Submission:

Labcorp Genetics (formerly Invitae), Labcorp
Classification: Uncertain significance for Autoimmune interstitial lung disease-arthritis syndrome. Last evaluated: 2024-08-17. Review status: criteria provided, single submitter. Criteria: Invitae Variant Classification Sherloc (09022015). Collection method: clinical testing. Allele origin: germline.
Comment: This sequence change results in a frameshift in the COPA gene (p.Ile1218Metfs*31). While this is not anticipated to result in nonsense mediated decay, it is expected to disrupt the last 7 amino acid(s) of the COPA protein and extend the protein by 23 additional amino acid residues. This variant is not present in population databases (gnomAD no frequency). This variant has not been reported in the literature in individuals affected with COPA-related conditions. Experimental studies and prediction algorithms are not available or were not evaluated, and the functional significance of this variant is currently unknown. In summary, the available evidence is currently insufficient to determine the role of this variant in disease. Therefore, it has been classified as a Variant of Uncertain Significance.